The following is an entry in ClinVar:

ClinVar aggregate classification (germline): Uncertain significance (1 of 4 stars; one submission).

Submission:

Labcorp Genetics (formerly Invitae), Labcorp
Classification: Uncertain significance. Last evaluated: 2022-06-26. Review status: criteria provided, single submitter. Criteria: Invitae Variant Classification Sherloc (09022015). Collection method: clinical testing. Allele origin: germline.
Comment: This sequence change replaces tyrosine, which is neutral and polar, with cysteine, which is neutral and slightly polar, at codon 79 of the TCF20 protein (p.Tyr79Cys). This variant is not present in population databases (gnomAD no frequency). This variant has not been reported in the literature in individuals affected with TCF20-related conditions. Algorithms developed to predict the effect of missense changes on protein structure and function are either unavailable or do not agree on the potential impact of this missense change (SIFT: "Tolerated"; PolyPhen-2: "Probably Damaging"; Align-GVGD: "Class C0"). In summary, the available evidence is currently insufficient to determine the role of this variant in disease. Therefore, it has been classified as a Variant of Uncertain Significance.

NM_001378418.1(TCF20):c.236A>G (p.Tyr79Cys)

Gene: TCF20 (transcription factor 20; minus strand). Cytogenetic location: 22q13.2.
Variant type: single nucleotide variant.
Coding change: c.236A>G on transcript NM_001378418.1 (MANE Select); coding-DNA position 236, A replaced by G.
Protein change: p.Tyr79Cys; replaces tyrosine 79 with cysteine.
Molecular consequence: missense variant.
Genome position (GRCh38, 1-based): chr22:42,215,070, T>C on the plus strand (A>G on the coding strand, the complement: TCF20 is on the minus strand). VCF-style: chr22-42215070-T-C. GRCh37 (hg19) VCF-style: chr22-42611076-T-C.
Other names: c.236A>G, p.Tyr79Cys (NM_005650.4, NM_181492.3); short protein forms Y79C.
Identifiers: ClinVar variation 2008120 (VCV002008120.4), dbSNP rs2518247491, ClinGen allele CA411793441.